The following is an entry in ClinVar:

ClinVar aggregate classification (germline): Uncertain significance. Review status: criteria provided, multiple submitters, no conflicts (2 of 4 stars). 3 submissions from 3 submitters: Uncertain significance (3). Last evaluated 2025-10-01.

Conditions:
Ehlers-Danlos syndrome, kyphoscoliotic type 1 (EDSKSCL1). Also called: EHLERS-DANLOS SYNDROME, TYPE VIA; EHLERS-DANLOS SYNDROME, OCULAR-SCOLIOTIC TYPE; PLOD1-Related Kyphoscoliotic Ehlers-Danlos Syndrome; Ehlers-Danlos syndrome, hydroxylysine-deficient. Identifiers: Orphanet 1900, MedGen C0268342, MONDO:0016002, OMIM 225400. Disease mechanism: loss of function.
Familial thoracic aortic aneurysm and aortic dissection (TAAD). Also called: Thoracic aortic aneurysms and dissections. Identifiers: Orphanet 91387, MedGen C4707243, MONDO:0019625.

Allele frequency attached by ClinVar (database versions not stated): gnomAD 0.00001; gnomAD exomes 0.00001.
gnomAD v4.1: 5 of 1,592,466 alleles (0.00031%); highest among the groups gnomAD compares: Admixed American, 0.0072%; no homozygotes.

Submissions (3):

Ambry Genetics
Classification: Uncertain significance for Familial thoracic aortic aneurysm and aortic dissection. Last evaluated: 2025-10-01. Review status: criteria provided, single submitter. Criteria: Ambry Variant Classification Scheme 2023. Collection method: clinical testing. Allele origin: germline.

Labcorp Genetics (formerly Invitae), Labcorp
Classification: Uncertain significance for Ehlers-Danlos syndrome, kyphoscoliotic type 1. Last evaluated: 2022-02-28. Review status: criteria provided, single submitter. Criteria: Invitae Variant Classification Sherloc (09022015). Collection method: clinical testing. Allele origin: germline.
Comment: This sequence change replaces glutamine, which is neutral and polar, with proline, which is neutral and non-polar, at codon 398 of the PLOD1 protein (p.Gln398Pro). This variant is present in population databases (no rsID available, gnomAD 0.007%). This variant has not been reported in the literature in individuals affected with PLOD1-related conditions. ClinVar contains an entry for this variant (Variation ID: 1314159). Algorithms developed to predict the effect of missense changes on protein structure and function (SIFT, PolyPhen-2, Align-GVGD) all suggest that this variant is likely to be tolerated. In summary, the available evidence is currently insufficient to determine the role of this variant in disease. Therefore, it has been classified as a Variant of Uncertain Significance.

GeneDx
Classification: Uncertain significance. Last evaluated: 2021-02-24. Review status: criteria provided, single submitter. Criteria: GeneDx Variant Classification Process June 2021. Collection method: clinical testing. Allele origin: germline. Affected: yes.
Comment: Not observed at a significant frequency in large population cohorts (Lek et al., 2016); In silico analysis supports that this missense variant has a deleterious effect on protein structure/function; Has not been previously published as pathogenic or benign to our knowledge

NM_000302.4(PLOD1):c.1193A>C (p.Gln398Pro)

Gene: PLOD1 (procollagen-lysine,2-oxoglutarate 5-dioxygenase 1; plus strand). Cytogenetic location: 1p36.22.
Variant type: single nucleotide variant.
Coding change: c.1193A>C on transcript NM_000302.4 (MANE Select); coding-DNA position 1193, A replaced by C.
Protein change: p.Gln398Pro; replaces glutamine 398 with proline.
Molecular consequence: missense variant.
Genome position (GRCh38, 1-based): chr1:11,963,627, A>C. VCF-style: chr1-11963627-A-C. GRCh37 (hg19) VCF-style: chr1-12023684-A-C.
Other names: c.1334A>C, p.Gln445Pro (NM_001316320.2); short protein forms Q398P, Q445P.
Identifiers: ClinVar variation 1314159 (VCV001314159.5), dbSNP rs1434675020, ClinGen allele CA338440422.